The following is an entry in ClinVar:

ClinVar aggregate classification (germline): Uncertain significance (1 of 4 stars; one submission).

Conditions:
Hypertrophic cardiomyopathy. Also called: HYPERTROPHIC MYOCARDIOPATHY. Identifiers: Orphanet 217569, MedGen C0007194, MeSH D002312, MONDO:0005045, HP:0001639.

Submission:

Labcorp Genetics (formerly Invitae), Labcorp
Classification: Uncertain significance for Hypertrophic cardiomyopathy. Last evaluated: 2025-02-02. Review status: criteria provided, single submitter. Criteria: Invitae Variant Classification Sherloc (09022015). Collection method: clinical testing. Allele origin: germline.
Comment: This sequence change replaces glutamic acid, which is acidic and polar, with lysine, which is basic and polar, at codon 1827 of the MYH7 protein (p.Glu1827Lys). This variant is not present in population databases (gnomAD no frequency). This variant has not been reported in the literature in individuals affected with MYH7-related conditions. Invitae Evidence Modeling of protein sequence and biophysical properties (such as structural, functional, and spatial information, amino acid conservation, physicochemical variation, residue mobility, and thermodynamic stability) indicates that this missense variant is expected to disrupt MYH7 protein function with a positive predictive value of 95%. In summary, the available evidence is currently insufficient to determine the role of this variant in disease. Therefore, it has been classified as a Variant of Uncertain Significance.

NM_000257.4(MYH7):c.5479G>A (p.Glu1827Lys)

Gene: MYH7 (myosin heavy chain 7; minus strand). Cytogenetic location: 14q11.2.
Variant type: single nucleotide variant.
Coding change: c.5479G>A on transcript NM_000257.4 (MANE Select); coding-DNA position 5479, G replaced by A.
Protein change: p.Glu1827Lys; replaces glutamic acid 1827 with lysine.
Molecular consequence: missense variant.
Genome position (GRCh38, 1-based): chr14:23,415,075, C>T on the plus strand (G>A on the coding strand, the complement: MYH7 is on the minus strand). VCF-style: chr14-23415075-C-T. GRCh37 (hg19) VCF-style: chr14-23884284-C-T.
Other names: c.5479G>A, p.Glu1827Lys (NM_001407004.1); short protein forms E1827K.
Identifiers: ClinVar variation 4801906 (VCV004801906.1).